The following is an entry in ClinVar:

NM_177531.6(PKHD1L1):c.12651C>T (p.Ser4217=)

Gene: PKHD1L1 (PKHD1 like 1; plus strand). Cytogenetic location: 8q23.2.
Variant type: single nucleotide variant.
Coding change: c.12651C>T on transcript NM_177531.6 (MANE Select); coding-DNA position 12651, C replaced by T.
Protein change: p.Ser4217=; no amino-acid change (serine 4217 retained).
Molecular consequence: synonymous variant.
Genome position (GRCh38, 1-based): chr8:109,526,950, C>T. VCF-style: chr8-109526950-C-T. GRCh37 (hg19) VCF-style: chr8-110539179-C-T.
Identifiers: ClinVar variation 2658753 (VCV002658753.24), dbSNP rs201403257, ClinGen allele CA4847202.

ClinVar aggregate classification (germline): Likely benign (1 of 4 stars; one submission).

Allele frequency attached by ClinVar (database versions not stated): TOPMed 0.00009; ESP Exome Variant Server 0.00016; gnomAD 0.00021; gnomAD exomes 0.00040; ExAC 0.00058; 1000 Genomes Project 0.00060; 1000 Genomes Project 30x 0.00062.
gnomAD v4.1: 623 of 1,613,784 alleles (0.039%); highest among the groups gnomAD compares: South Asian, 0.38%; 11 homozygotes.

Submission:

CeGaT Center for Human Genetics Tuebingen
Classification: Likely benign. Last evaluated: 2022-10-01. Review status: criteria provided, single submitter. Criteria: CeGaT Center For Human Genetics Tuebingen Variant Classification Criteria Version 2. Collection method: clinical testing. Allele origin: germline. Affected: yes. Observed: 1 variant allele.
Comment: PKHD1L1: BP4, BP7